The following is an entry in ClinVar:

ClinVar aggregate classification (germline): Uncertain significance (1 of 4 stars; one submission).

Conditions:
Inborn genetic diseases. Identifiers: MedGen C0950123, MeSH D030342.

Allele frequency attached by ClinVar (database versions not stated): gnomAD exomes below 0.00001; TOPMed below 0.00001.
gnomAD v4.1: 7 of 1,614,130 alleles (0.00043%); highest among the groups gnomAD compares: Non-Finnish European, 0.00051%; no homozygotes.

Submission:

Ambry Genetics
Classification: Uncertain significance for Inborn genetic diseases. Last evaluated: 2022-10-21. Review status: criteria provided, single submitter. Criteria: Ambry Variant Classification Scheme 2023. Collection method: clinical testing. Allele origin: germline.
Comment: The p.A733G variant (also known as c.2198C>G), located in coding exon 18 of the LRRK2 gene, results from a C to G substitution at nucleotide position 2198. The alanine at codon 733 is replaced by glycine, an amino acid with similar properties. This amino acid position is conserved. In addition, this alteration is predicted to be deleterious by in silico analysis. Since supporting evidence is limited at this time, the clinical significance of this alteration remains unclear.

NM_198578.4(LRRK2):c.2198C>G (p.Ala733Gly)

Gene: LRRK2 (leucine rich repeat kinase 2; plus strand). Cytogenetic location: 12q12.
Variant type: single nucleotide variant.
Coding change: c.2198C>G on transcript NM_198578.4 (MANE Select); coding-DNA position 2198, C replaced by G.
Protein change: p.Ala733Gly; replaces alanine 733 with glycine.
Molecular consequence: missense variant.
Genome position (GRCh38, 1-based): chr12:40,278,218, C>G. VCF-style: chr12-40278218-C-G. GRCh37 (hg19) VCF-style: chr12-40672020-C-G.
Other names: short protein forms A733G.
Identifiers: ClinVar variation 1787516 (VCV001787516.2), dbSNP rs1412344397, ClinGen allele CA384405242.